The following is an entry in ClinVar:

ClinVar aggregate classification (germline): Uncertain significance (1 of 4 stars; one submission).

Conditions:
Familial cancer of breast. Also called: Hereditary breast cancer; hereditary breast carcinoma; BREAST CANCER, FAMILIAL. Identifiers: Orphanet 227535, MedGen C0346153, MONDO:0016419, OMIM 114480. Disease mechanism: loss of function.

Submission:

Labcorp Genetics (formerly Invitae), Labcorp
Classification: Uncertain significance for Familial cancer of breast. Last evaluated: 2022-03-23. Review status: criteria provided, single submitter. Criteria: Invitae Variant Classification Sherloc (09022015). Collection method: clinical testing. Allele origin: germline.
Comment: In summary, the available evidence is currently insufficient to determine the role of this variant in disease. Therefore, it has been classified as a Variant of Uncertain Significance. Algorithms developed to predict the effect of missense changes on protein structure and function output the following: SIFT: "Tolerated"; PolyPhen-2: "Benign"; Align-GVGD: "Class C0". The glycine amino acid residue is found in multiple mammalian species, which suggests that this missense change does not adversely affect protein function. ClinVar contains an entry for this variant (Variation ID: 1046821). This variant has not been reported in the literature in individuals affected with PALB2-related conditions. This variant is not present in population databases (gnomAD no frequency). This sequence change replaces arginine, which is basic and polar, with glycine, which is neutral and non-polar, at codon 239 of the PALB2 protein (p.Arg239Gly).

NM_024675.4(PALB2):c.715A>G (p.Arg239Gly)

Gene: PALB2 (partner and localizer of BRCA2; minus strand). Cytogenetic location: 16p12.2.
Variant type: single nucleotide variant.
Coding change: c.715A>G on transcript NM_024675.4 (MANE Select); coding-DNA position 715, A replaced by G.
Protein change: p.Arg239Gly; replaces arginine 239 with glycine.
Molecular consequence: missense variant.
Genome position (GRCh38, 1-based): chr16:23,635,831, T>C on the plus strand (A>G on the coding strand, the complement: PALB2 is on the minus strand). VCF-style: chr16-23635831-T-C. GRCh37 (hg19) VCF-style: chr16-23647152-T-C.
Other names: short protein forms R239G.
Identifiers: ClinVar variation 1046821 (VCV001046821.9), dbSNP rs1967026821, ClinGen allele CA395136321.
Genomic context (GRCh38, chr16:23,635,831, plus strand): 5'-TACTACCGCTATCTGATAGAGTCTGTAAAGGAACTGTAGTCGCCCTGGTGAAATTAGGTC[T>C]TCTTAGGAATGTATCAACACCTTTTTCTGGTTGGGCAGTTGGTGGAATTAATACACTGTC-3'
Protein context (NP_078951.2, residues 229-249): PEKGVDTFLR[Arg239Gly]PNFTRATTVP